The following is an entry in ClinVar:

NM_003482.4(KMT2D):c.4964-10C>T

Gene: KMT2D (lysine methyltransferase 2D; minus strand). Cytogenetic location: 12q13.12.
Variant type: single nucleotide variant.
Coding change: c.4964-10C>T on transcript NM_003482.4 (MANE Select); 10 bases into the intron before coding-DNA position 4964, C replaced by T.
Molecular consequence: intron variant.
Genome position (GRCh38, 1-based): chr12:49,044,532, G>A on the plus strand (C>T on the coding strand, the complement: KMT2D is on the minus strand). VCF-style: chr12-49044532-G-A. GRCh37 (hg19) VCF-style: chr12-49438315-G-A.
Identifiers: ClinVar variation 3030371 (VCV003030371.4), dbSNP rs1592143284, ClinGen allele CA2034952362.

ClinVar aggregate classification (germline): Likely benign. Review status: criteria provided, single submitter (1 of 4 stars). 2 submissions from 2 submitters: Likely benign (1). 1 of the submissions does not count toward it. Last evaluated 2024-09-09.

Conditions:
KMT2D-related disorder. Also called: KMT2D-Related Disorders.
Kabuki syndrome. Also called: Kabuki make-up syndrome; NIIKAWA-KUROKI SYNDROME. Identifiers: Orphanet 2322, MedGen C0796004, MONDO:0016512.

Allele frequency attached by ClinVar (database versions not stated): gnomAD exomes 0.00001.
gnomAD v4.1: 3 of 1,613,312 alleles (0.00019%); highest among the groups gnomAD compares: East Asian, 0.0067%; no homozygotes.

Submissions (2):

Labcorp Genetics (formerly Invitae), Labcorp
Classification: Likely benign for Kabuki syndrome. Last evaluated: 2024-09-09. Review status: criteria provided, single submitter. Criteria: Invitae Variant Classification Sherloc (09022015). Collection method: clinical testing. Allele origin: germline.

PreventionGenetics, part of Exact Sciences
Classification: Likely benign for KMT2D-related condition. Last evaluated: 2023-03-30. Review status: no assertion criteria provided. Collection method: clinical testing. Allele origin: germline. Not counted in ClinVar's aggregate classification.
Comment: This variant is classified as likely benign based on ACMG/AMP sequence variant interpretation guidelines (Richards et al. 2015 PMID: 25741868, with internal and published modifications).